The following is an entry in ClinVar:

ClinVar aggregate classification (germline): Likely benign. Review status: criteria provided, multiple submitters, no conflicts (2 of 4 stars). 2 submissions from 2 submitters: Likely benign (2). Last evaluated 2025-10-01.

Allele frequency attached by ClinVar (database versions not stated): gnomAD 0.00001; gnomAD exomes 0.00001.
gnomAD v4.1: 12 of 1,604,484 alleles (0.00075%); highest among the groups gnomAD compares: Admixed American, 0.0033%; no homozygotes.

Submissions (2):

CeGaT Center for Human Genetics Tuebingen
Classification: Likely benign. Last evaluated: 2025-10-01. Review status: criteria provided, single submitter. Criteria: CeGaT Center For Human Genetics Tuebingen Variant Classification Criteria Version 2. Collection method: clinical testing. Allele origin: germline. Affected: yes. Observed: 1 variant allele.
Comment: HRAS: BP4, BP7

GeneDx
Classification: Likely benign. Last evaluated: 2016-03-17. Review status: criteria provided, single submitter. Criteria: GeneDx Variant Classification (06012015). Collection method: clinical testing. Allele origin: germline. Affected: yes.
Comment: This variant is considered likely benign or benign based on one or more of the following criteria: it is a conservative change, it occurs at a poorly conserved position in the protein, it is predicted to be benign by multiple in silico algorithms, and/or has population frequency not consistent with disease.

NM_176795.5(HRAS):c.480C>T (p.Ser160=)

Genes: LRRC56 (leucine rich repeat containing 56; plus strand), HRAS (HRas proto-oncogene, GTPase; minus strand). Cytogenetic location: 11p15.5.
Variant type: single nucleotide variant.
Coding change: c.480C>T on transcript NM_176795.5 (MANE Plus Clinical); coding-DNA position 480, C replaced by T.
Protein change: p.Ser160=; no amino-acid change (serine 160 retained).
Molecular consequence: synonymous variant. On other transcripts: missense variant (1), intron variant (2).
Genome position (GRCh38, 1-based): chr11:533,329, G>A on the plus strand (C>T on the coding strand, the complement: HRAS is on the minus strand). VCF-style: chr11-533329-G-A. GRCh37 (hg19) VCF-style: chr11-533329-G-A.
Other names: c.161C>T, p.Pro54Leu (NM_001318054.2); c.450+124C>T (NM_005343.4, NM_001130442.3); short protein forms P54L.
Identifiers: ClinVar variation 384895 (VCV000384895.8), dbSNP rs1057522069, ClinGen allele CA16606254.
Genomic context (GRCh38, chr11:533,329, plus strand): 5'-AGACTTACAGCGCGAGGGGCCGCTGGGTCACATGGGTCCCGGGGGGTCCCAGAGGGTCCC[G>A]GAGCTGGAGCTAGAGCCAGAGCGGCTGCCCTGTGTCAAGGGAGAGGGTCAGTGAGTGCTG-3'
Protein context (NP_789765.1, residues 150-170): QGSRSGSSSS[Ser160=]GTLWDPPGPM